The following is an entry in ClinVar:

ClinVar aggregate classification (germline): Uncertain significance (1 of 4 stars; one submission).

Conditions:
Hereditary cancer-predisposing syndrome. Also called: Tumor predisposition; Hereditary Cancer Syndrome; Hereditary neoplastic syndrome; Neoplastic Syndromes, Hereditary. Identifiers: Orphanet 140162, MedGen C0027672, MeSH D009386, MONDO:0015356.

Submission:

Ambry Genetics
Classification: Uncertain significance for Hereditary cancer-predisposing syndrome. Last evaluated: 2024-06-23. Review status: criteria provided, single submitter. Criteria: Ambry Variant Classification Scheme 2023. Collection method: clinical testing. Allele origin: germline.
Comment: The p.D1182E variant (also known as c.3546T>G), located in coding exon 16 of the MET gene, results from a T to G substitution at nucleotide position 3546. The aspartic acid at codon 1182 is replaced by glutamic acid, an amino acid with highly similar properties. This amino acid position is conserved. In addition, the in silico prediction for this alteration is inconclusive. Based on the available evidence, the clinical significance of this variant remains unclear.

NM_000245.4(MET):c.3492T>G (p.Asp1164Glu)

Gene: MET (MET proto-oncogene, receptor tyrosine kinase; plus strand). Cytogenetic location: 7q31.2.
Variant type: single nucleotide variant.
Coding change: c.3492T>G on transcript NM_000245.4 (MANE Select); coding-DNA position 3492, T replaced by G.
Protein change: p.Asp1164Glu; replaces aspartic acid 1164 with glutamic acid.
Molecular consequence: missense variant.
Genome position (GRCh38, 1-based): chr7:116,778,927, T>G. VCF-style: chr7-116778927-T-G. GRCh37 (hg19) VCF-style: chr7-116418981-T-G.
Other names: c.3546T>G, p.Asp1182Glu (NM_001127500.3); c.2202T>G, p.Asp734Glu (NM_001324402.2); short protein forms D1164E, D1182E, D734E.
Identifiers: ClinVar variation 3294389 (VCV003294389.1).